The following is an entry in ClinVar:

NM_000355.4(TCN2):c.376A>G (p.Arg126Gly)

Gene: TCN2 (transcobalamin 2; plus strand). Cytogenetic location: 22q12.2.
Variant type: single nucleotide variant.
Coding change: c.376A>G on transcript NM_000355.4 (MANE Select); coding-DNA position 376, A replaced by G.
Protein change: p.Arg126Gly; replaces arginine 126 with glycine.
Molecular consequence: missense variant. On other transcripts: intron variant (1).
Genome position (GRCh38, 1-based): chr22:30,612,991, A>G. VCF-style: chr22-30612991-A-G. GRCh37 (hg19) VCF-style: chr22-31008978-A-G.
Other names: c.346+30A>G (NM_001184726.2); short protein forms R126G.
Identifiers: ClinVar variation 1015224 (VCV001015224.6), dbSNP rs552020145, ClinGen allele CA10184601.

ClinVar aggregate classification (germline): Uncertain significance (1 of 4 stars; one submission).

Conditions:
Transcobalamin II deficiency (TCN2D). Also called: Transcolabamin II deficiency; TC II DEFICIENCY; TCN2 DEFICIENCY. Identifiers: Orphanet 859, MedGen C0342701, MONDO:0010149, OMIM 275350.

Allele frequency attached by ClinVar (database versions not stated): gnomAD 0.00001; ExAC 0.00002; 1000 Genomes Project 30x 0.00016; 1000 Genomes Project 0.00020.

Submission:

Labcorp Genetics (formerly Invitae), Labcorp
Classification: Uncertain significance for Transcobalamin II deficiency. Last evaluated: 2021-09-01. Review status: criteria provided, single submitter. Criteria: Invitae Variant Classification Sherloc (09022015). Collection method: clinical testing. Allele origin: germline.
Comment: This sequence change replaces arginine with glycine at codon 126 of the TCN2 protein (p.Arg126Gly). The arginine residue is highly conserved and there is a moderate physicochemical difference between arginine and glycine. This variant is present in population databases (rs552020145, ExAC 0.01%). This variant has not been reported in the literature in individuals affected with TCN2-related conditions. Algorithms developed to predict the effect of missense changes on protein structure and function (SIFT, PolyPhen-2, Align-GVGD) all suggest that this variant is likely to be tolerated. In summary, the available evidence is currently insufficient to determine the role of this variant in disease. Therefore, it has been classified as a Variant of Uncertain Significance.